The following is an entry in ClinVar:

ClinVar aggregate classification (germline): Uncertain significance (1 of 4 stars; one submission).

Conditions:
Proteosome-associated autoinflammatory syndrome. Also called: Proteasome-associated autoinflammatory syndrome. Identifiers: Orphanet 324977, MedGen C1850568, MONDO:0009726.

Allele frequency attached by ClinVar (database versions not stated): gnomAD exomes 0.00001; gnomAD 0.00002; TOPMed 0.00003.

Submission:

Labcorp Genetics (formerly Invitae), Labcorp
Classification: Uncertain significance for Proteosome-associated autoinflammatory syndrome. Last evaluated: 2022-07-06. Review status: criteria provided, single submitter. Criteria: Invitae Variant Classification Sherloc (09022015). Collection method: clinical testing. Allele origin: germline.
Comment: This variant is present in population databases (no rsID available, gnomAD 0.002%). This sequence change replaces arginine, which is basic and polar, with tryptophan, which is neutral and slightly polar, at codon 102 of the PSMB8 protein (p.Arg102Trp). This variant has not been reported in the literature in individuals affected with PSMB8-related conditions. ClinVar contains an entry for this variant (Variation ID: 942129). Algorithms developed to predict the effect of missense changes on protein structure and function are either unavailable or do not agree on the potential impact of this missense change (SIFT: "Deleterious"; PolyPhen-2: "Possibly Damaging"; Align-GVGD: "Class C0"). In summary, the available evidence is currently insufficient to determine the role of this variant in disease. Therefore, it has been classified as a Variant of Uncertain Significance.

NM_148919.4(PSMB8):c.304C>T (p.Arg102Trp)

Gene: PSMB8 (proteasome 20S subunit beta 8; minus strand). Cytogenetic location: 6p21.32.
Variant type: single nucleotide variant.
Coding change: c.304C>T on transcript NM_148919.4 (MANE Select); coding-DNA position 304, C replaced by T.
Protein change: p.Arg102Trp; replaces arginine 102 with tryptophan.
Molecular consequence: missense variant.
Genome position (GRCh38, 1-based): chr6:32,842,775, G>A on the plus strand (C>T on the coding strand, the complement: PSMB8 is on the minus strand). VCF-style: chr6-32842775-G-A. GRCh37 (hg19) VCF-style: chr6-32810552-G-A.
Other names: c.292C>T, p.Arg98Trp (NM_004159.5); short protein forms R102W, R98W.
Identifiers: ClinVar variation 942129 (VCV000942129.9), dbSNP rs1402857650, ClinGen allele CA363589285.